The following is an entry in ClinVar:

ClinVar aggregate classification (germline): Pathogenic. Review status: reviewed by expert panel (3 of 4 stars). 10 submissions from 10 submitters: Pathogenic (1). 9 of the submissions do not count toward it. Last evaluated 2016-10-18.

Conditions:
Hereditary cancer-predisposing syndrome. Also called: Neoplastic Syndromes, Hereditary; Tumor predisposition; Hereditary neoplastic syndrome; Hereditary Cancer Syndrome. Identifiers: Orphanet 140162, MedGen C0027672, MeSH D009386, MONDO:0015356.
Hereditary breast ovarian cancer syndrome. Also called: Hereditary breast and ovarian cancer syndrome; Hereditary breast and ovarian cancer; Hereditary breast and ovarian cancer syndrome (HBOC); Breast and ovarian cancer; Hereditary breast and/or ovarian cancer syndrome; BRCA1- and BRCA2-Associated Hereditary Breast and Ovarian Cancer. Identifiers: Orphanet 145, MedGen C0677776, MeSH D061325, MONDO:0003582. Disease mechanism: loss of function.
Breast-ovarian cancer, familial, susceptibility to, 2 (BROVCA2). Also called: BRCA2 Hereditary Breast and Ovarian Cancer. Identifiers: Orphanet 145, MedGen C2675520, MONDO:0012933, OMIM 612555. Disease mechanism: loss of function.

Submissions (10):

Evidence-based Network for the Interpretation of Germline Mutant Alleles (ENIGMA)
Classification: Pathogenic for Breast-ovarian cancer, familial, susceptibility to, 2. Last evaluated: 2016-10-18. Review status: reviewed by expert panel. Criteria: ENIGMA BRCA1/2 Classification Criteria (2015). Collection method: curation. Allele origin: germline.
Comment: Variant allele predicted to encode a truncated non-functional protein.

Ambry Genetics
Classification: Pathogenic for Hereditary cancer-predisposing syndrome. Last evaluated: 2024-09-25. Review status: criteria provided, single submitter. Criteria: Ambry Variant Classification Scheme 2023. Collection method: clinical testing. Allele origin: germline. Not counted in ClinVar's aggregate classification.
Comment: The c.8924delT pathogenic mutation, located in coding exon 21 of the BRCA2 gene, results from a deletion of one nucleotide at nucleotide position 8924, causing a translational frameshift with a predicted alternate stop codon (p.V2975Efs*13). This variant is considered to be rare based on population cohorts in the Genome Aggregation Database (gnomAD). This alteration is expected to result in loss of function by premature protein truncation or nonsense-mediated mRNA decay. As such, this alteration is interpreted as a disease-causing mutation.

Labcorp Genetics (formerly Invitae), Labcorp
Classification: Pathogenic for Hereditary breast ovarian cancer syndrome. Last evaluated: 2024-07-11. Review status: criteria provided, single submitter. Criteria: Invitae Variant Classification Sherloc (09022015). Collection method: clinical testing. Allele origin: germline. Not counted in ClinVar's aggregate classification.
Comment: This sequence change creates a premature translational stop signal (p.Val2975Glufs*13) in the BRCA2 gene. It is expected to result in an absent or disrupted protein product. Loss-of-function variants in BRCA2 are known to be pathogenic (PMID: 20104584). This variant is not present in population databases (gnomAD no frequency). This premature translational stop signal has been observed in individual(s) with breast and/or ovarian cancer (PMID: 20383589). This variant is also known as 9152delT. ClinVar contains an entry for this variant (Variation ID: 52703). For these reasons, this variant has been classified as Pathogenic.

GeneDx
Classification: Pathogenic. Last evaluated: 2023-07-07. Review status: criteria provided, single submitter. Criteria: GeneDx Variant Classification Process June 2021. Collection method: clinical testing. Allele origin: germline. Affected: yes. Not counted in ClinVar's aggregate classification.
Comment: Frameshift variant predicted to result in protein truncation or nonsense mediated decay in a gene for which loss of function is a known mechanism of disease; Not observed at significant frequency in large population cohorts (gnomAD); Truncating variants in this gene are considered pathogenic by a well-established clinical consortium and/or database; Also known as 9152del; This variant is associated with the following publications: (PMID: 31723001, 30425037, 32614418, 29446198, 25948282, 28279176, 26843898, 22864640, 20383589)

Women's Health and Genetics/Laboratory Corporation of America, LabCorp
Classification: Pathogenic for Hereditary breast ovarian cancer syndrome. Last evaluated: 2022-06-17. Review status: criteria provided, single submitter. Criteria: LabCorp Variant Classification Summary - May 2015. Collection method: clinical testing. Allele origin: germline. Not counted in ClinVar's aggregate classification.
Comment: Variant summary: BRCA2 c.8924delT (p.Val2975GlufsX13) results in a premature termination codon, predicted to cause a truncation of the encoded protein or absence of the protein due to nonsense mediated decay, which are commonly known mechanisms for disease. Truncations downstream of this position have been classified as pathogenic by our laboratory. The variant was absent in 249112 control chromosomes (gnomAD). c.8924delT has been reported in the literature in multiple individuals/families affected with Breast and/or Ovarian Cancer (e.g. Balabas_2010, Gaj_2012, Rebbeck_2018, Lin_2019). These data indicate that the variant is very likely to be associated with disease. To our knowledge, no experimental evidence demonstrating an impact on protein function has been reported. Five ClinVar submitters, including one expert panel (ENIGMA) and one consortium (CIMBA), have assessed the variant since 2014: all submitters classified the variant as pathogenic. Based on the evidence outlined above, the variant was classified as pathogenic.

Color Diagnostics, LLC DBA Color Health
Classification: Pathogenic for Hereditary cancer-predisposing syndrome. Last evaluated: 2020-10-05. Review status: criteria provided, single submitter. Criteria: ACMG Guidelines, 2015. Collection method: clinical testing. Allele origin: germline. Not counted in ClinVar's aggregate classification.
Comment: This variant deletes 1 nucleotide in exon 22 of the BRCA2 gene, creating a frameshift and premature translation stop signal. This variant is expected to result in an absent or non-functional protein product. To our knowledge, functional studies have not been reported for this variant. This variant has been reported in individuals affected with breast cancer (PMID: 20383589, 22864640, 32614418). This variant has not been identified in the general population by the Genome Aggregation Database (gnomAD). Loss of BRCA2 function is a known mechanism of disease. Based on the available evidence, this variant is classified as Pathogenic.

Quest Diagnostics Nichols Institute San Juan Capistrano
Classification: Pathogenic. Last evaluated: 2017-04-03. Review status: criteria provided, single submitter. Criteria: Quest Diagnostics criteria. Collection method: clinical testing. Allele origin: germline. Not counted in ClinVar's aggregate classification.

Consortium of Investigators of Modifiers of BRCA1/2 (CIMBA), c/o University of Cambridge
Classification: Pathogenic for Breast-ovarian cancer, familial, susceptibility to, 2. Last evaluated: 2015-10-02. Review status: criteria provided, single submitter. Criteria: CIMBA Mutation Classification guidelines May 2016. Collection method: clinical testing. Allele origin: germline. Not counted in ClinVar's aggregate classification.

Department of Pathology and Laboratory Medicine, Sinai Health System
Classification: Likely pathogenic for Hereditary breast ovarian cancer syndrome. Review status: criteria provided, single submitter. Criteria: ACMG Guidelines, 2015. Collection method: clinical testing. Allele origin: germline. Affected: yes. Study: The Canadian Open Genetics Repository (COGR). Not counted in ClinVar's aggregate classification.

Research Molecular Genetics Laboratory, Women's College Hospital, University of Toronto
Classification: Pathogenic for Hereditary breast ovarian cancer syndrome. Last evaluated: 2014-01-31. Review status: no assertion criteria provided. Collection method: research. Allele origin: germline. Affected: yes. Study: The Canadian Open Genetics Repository (COGR). Not counted in ClinVar's aggregate classification.

Literature cited by the submitters: PubMed 20383589 (cited by 3 submitters); PubMed 25948282 (cited by Ambry Genetics); PubMed 29446198 (cited by Ambry Genetics and Women's Health and Genetics/Laboratory Corporation of America, LabCorp); PubMed 20104584 (cited by Labcorp Genetics (formerly Invitae), Labcorp); PubMed 30425037 (cited by Women's Health and Genetics/Laboratory Corporation of America, LabCorp); PubMed 22864640 (cited by Women's Health and Genetics/Laboratory Corporation of America, LabCorp).

NM_000059.4(BRCA2):c.8924del (p.Val2975fs)

Gene: BRCA2 (BRCA2 DNA repair associated; plus strand). Cytogenetic location: 13q13.1.
Variant type: Deletion.
Coding change: c.8924del on transcript NM_000059.4 (MANE Select); coding-DNA position 8924, one base deleted (T; older notation c.8924delT).
Protein change: p.Val2975fs; shifts the reading frame from valine 2975.
Molecular consequence: frameshift variant.
Genome position (GRCh38, 1-based): chr13:32,379,486, T deleted. VCF-style (leftmost placement, unchanged base first): chr13-32379485-GT-G. GRCh37 (hg19) VCF-style: chr13-32953622-GT-G.
Other names: 9152delT; c.8924delT (NM_000059.3).
Identifiers: ClinVar variation 52703 (VCV000052703.20), dbSNP rs397508020, ClinGen allele CA025875.